The following is an entry in ClinVar:

ClinVar aggregate classification (germline): Likely benign (0 of 4 stars; one submission).

Conditions:
VCX3A-related disorder. Also called: VCX3A-related condition.

Allele frequency attached by ClinVar (database versions not stated): ExAC 0.00119.

Submission:

PreventionGenetics, part of Exact Sciences
Classification: Likely benign for VCX3A-related condition. Last evaluated: 2021-03-30. Review status: no assertion criteria provided. Collection method: clinical testing. Allele origin: germline.
Comment: This variant is classified as likely benign based on ACMG/AMP sequence variant interpretation guidelines (Richards et al. 2015 PMID: 25741868, with internal and published modifications).

NM_016379.4(VCX3A):c.288C>T (p.Ser96=)

Genes: VCX3A (variable charge X-linked 3A; minus strand), LOC106029240 (S232-VCX3A recombination region; plus strand). Cytogenetic location: Xp22.31.
Variant type: single nucleotide variant.
Coding change: c.288C>T on transcript NM_016379.4 (MANE Select); coding-DNA position 288, C replaced by T.
Protein change: p.Ser96=; no amino-acid change (serine 96 retained).
Molecular consequence: synonymous variant.
Genome position (GRCh38, 1-based): chrX:6,534,018, G>A on the plus strand (C>T on the coding strand, the complement: VCX3A is on the minus strand). VCF-style: chrX-6534018-G-A. GRCh37 (hg19) VCF-style: chrX-6452059-G-A.
Identifiers: ClinVar variation 3047456 (VCV003047456.2), dbSNP rs753782566, ClinGen allele CA10341618.
Genomic context (GRCh38, chrX:6,534,018, plus strand): 5'-CTGACTCAGTGGTTCCTCCAGCTCGCTCTCCTGACTCAGGGGGTCGTGCTGGGTCCCCTC[G>A]CTCACTGGCTCCTCCGGCGGCAGCTCGTGCTGAGGGAGCTCCTGGCTGGGCTGGTCGCTG-3'
Protein context (NP_057463.2, residues 86-106): QHELPPEEPV[Ser96=]EGTQHDPLSQ